The following is an entry in ClinVar:

ClinVar aggregate classification (germline): Benign/Likely benign. Review status: criteria provided, multiple submitters, no conflicts (2 of 4 stars). 12 submissions from 11 submitters: Benign (6); Likely benign (4). 2 of the submissions do not count toward it. Last evaluated 2026-02-01.

Conditions:
Bifunctional peroxisomal enzyme deficiency (DBIF). Also called: D-bifunctional protein deficiency; DBP DEFICIENCY; PBFE DEFICIENCY. Identifiers: Orphanet 300, MedGen C0342870, MONDO:0009855, OMIM 261515. Disease mechanism: loss of function.
Perrault syndrome. Also called: Gonadal dysgenesis with auditory dysfunction, autosomal recessive inheritance. Identifiers: Orphanet 2855, MedGen C0685838, MONDO:0017312.
HSD17B4-related disorder. Also called: HSD17B4-related condition; HSD17B4-related disorders.
Perrault syndrome 1 (PRLTS1). Also called: GONADAL DYSGENESIS, XX TYPE, WITH DEAFNESS; OVARIAN DYSGENESIS WITH SENSORINEURAL DEAFNESS. Identifiers: Orphanet 2855, Orphanet 642945, MedGen C4551721, MONDO:0009300, OMIM 233400.

Allele frequency attached by ClinVar (database versions not stated): ESP Exome Variant Server 0.00315; gnomAD 0.00351; TOPMed 0.00355; 1000 Genomes Project 30x 0.00390; 1000 Genomes Project 0.00399.
gnomAD v4.1: 971 of 1,612,684 alleles (0.06%); highest among the groups gnomAD compares: African/African-American, 1.1%; 7 homozygotes.

Submissions (12):

CeGaT Center for Human Genetics Tuebingen
Classification: Likely benign. Last evaluated: 2026-02-01. Review status: criteria provided, single submitter. Criteria: CeGaT Center For Human Genetics Tuebingen Variant Classification Criteria Version 2. Collection method: clinical testing. Allele origin: germline. Affected: yes. Observed: 1 variant allele.
Comment: HSD17B4: BP4, BP7, BS1

Labcorp Genetics (formerly Invitae), Labcorp
Classification: Benign for Perrault syndrome; Bifunctional peroxisomal enzyme deficiency. Last evaluated: 2026-01-28. Review status: criteria provided, single submitter. Criteria: Invitae Variant Classification Sherloc (09022015). Collection method: clinical testing. Allele origin: germline.

Blueprint Genetics
Classification: Likely benign. Last evaluated: 2024-10-08. Review status: criteria provided, single submitter. Criteria: ACMG Guidelines, 2015. Collection method: clinical testing. Allele origin: germline.

Mayo Clinic Laboratories, Mayo Clinic
Classification: Benign. Last evaluated: 2024-07-26. Review status: criteria provided, single submitter. Criteria: ACMG Guidelines, 2015. Collection method: clinical testing. Allele origin: germline. Observed: 8 variant alleles.
Comment: BA1, BP4, BP7

GeneDx
Classification: Benign. Last evaluated: 2018-12-17. Review status: criteria provided, single submitter. Criteria: GeneDx Variant Classification Process June 2021. Collection method: clinical testing. Allele origin: germline. Affected: yes.

Illumina Laboratory Services, Illumina
Classification: Likely benign for Bifunctional peroxisomal enzyme deficiency. Last evaluated: 2018-01-13. Review status: criteria provided, single submitter. Criteria: ICSL Variant Classification Criteria 13 December 2019. Collection method: clinical testing. Allele origin: germline.
Comment: This variant was observed in the ICSL laboratory as part of a predisposition screen in an ostensibly healthy population. It had not been previously curated by ICSL or reported in the Human Gene Mutation Database (HGMD: prior to June 1st, 2018), and was therefore a candidate for classification through an automated scoring system. Utilizing variant allele frequency, disease prevalence and penetrance estimates, and inheritance mode, an automated score was calculated to assess if this variant is too frequent to cause the disease. Based on the score and internal cut-off values, a variant classified as likely benign is not then subjected to further curation. The score for this variant resulted in a classification of likely benign for this disease.

Illumina Laboratory Services, Illumina
Classification: Benign for Perrault syndrome 1. Last evaluated: 2018-01-13. Review status: criteria provided, single submitter. Criteria: ICSL Variant Classification Criteria 13 December 2019. Collection method: clinical testing. Allele origin: germline.
Comment: This variant was observed in the ICSL laboratory as part of a predisposition screen in an ostensibly healthy population. It had not been previously curated by ICSL or reported in the Human Gene Mutation Database (HGMD: prior to June 1st, 2018), and was therefore a candidate for classification through an automated scoring system. Utilizing variant allele frequency, disease prevalence and penetrance estimates, and inheritance mode, an automated score was calculated to assess if this variant is too frequent to cause the disease. Based on the score and internal cut-off values, a variant classified as benign is not then subjected to further curation. The score for this variant resulted in a classification of benign for this disease.

Eurofins Ntd Llc (ga)
Classification: Benign. Last evaluated: 2014-12-19. Review status: criteria provided, single submitter. Criteria: EGL Classification Definitions 2015. Collection method: clinical testing. Allele origin: germline. Observed: 1 variant allele, 1 heterozygote.

Laboratory for Molecular Medicine, Mass General Brigham Personalized Medicine
Classification: Benign. Last evaluated: 2014-11-24. Review status: criteria provided, single submitter. Criteria: LMM Criteria. Collection method: clinical testing. Allele origin: germline. Observed: 5 variant alleles.
Comment: Val247Val in exon 10 of HSD17B4: This variant is not expected to have clinical s ignificance because it does not alter an amino acid residue and is not located w ithin the splice consensus sequence. It has been identified in 0.9% (40/4404) of African American chromosomes from a broad population by the NHLBI Exome Sequenc ing Project (dbSNP rs150677536).

Breakthrough Genomics
Classification: Likely benign. Review status: criteria provided, single submitter. Criteria: ACMG Guidelines, 2015. Collection method: not provided. Allele origin: germline. Inheritance: Autosomal recessive inheritance. Affected: yes.

PreventionGenetics, part of Exact Sciences
Classification: Benign for HSD17B4-related condition. Last evaluated: 2021-03-08. Review status: no assertion criteria provided. Collection method: clinical testing. Allele origin: germline. Not counted in ClinVar's aggregate classification.
Comment: This variant is classified as benign based on ACMG/AMP sequence variant interpretation guidelines (Richards et al. 2015 PMID: 25741868, with internal and published modifications).

Natera, Inc.
Classification: Benign for Bifunctional peroxisomal enzyme deficiency. Last evaluated: 2019-10-18. Review status: no assertion criteria provided. Collection method: clinical testing. Allele origin: germline. Not counted in ClinVar's aggregate classification.

NM_000414.4(HSD17B4):c.666C>G (p.Val222=)

Gene: HSD17B4 (hydroxysteroid 17-beta dehydrogenase 4; plus strand). Cytogenetic location: 5q23.1.
Variant type: single nucleotide variant.
Coding change: c.666C>G on transcript NM_000414.4 (MANE Select); coding-DNA position 666, C replaced by G.
Protein change: p.Val222=; no amino-acid change (valine 222 retained).
Molecular consequence: synonymous variant. On other transcripts: non-coding transcript variant (2).
Genome position (GRCh38, 1-based): chr5:119,489,235, C>G. VCF-style: chr5-119489235-C-G. GRCh37 (hg19) VCF-style: chr5-118824930-C-G.
Other names: p.Val247=; c.741C>G, p.Val247= (NM_001199291.3); c.612C>G, p.Val204= (NM_001199292.2); c.594C>G, p.Val198= (NM_001292027.2); c.246C>G, p.Val82= (NM_001292028.2); c.657C>G, p.Val219= (NM_001374497.1); c.666C>G, p.Val222= (NM_001374498.1); c.339C>G, p.Val113= (NM_001374499.1); and 2 more.
Identifiers: ClinVar variation 199018 (VCV000199018.34), dbSNP rs150677536, ClinGen allele CA203712.